The following is an entry in ClinVar:

NM_020822.3(KCNT1):c.3327C>A (p.Ser1109Arg)

Gene: KCNT1 (potassium sodium-activated channel subfamily T member 1; plus strand). Cytogenetic location: 9q34.3.
Variant type: single nucleotide variant.
Coding change: c.3327C>A on transcript NM_020822.3 (MANE Select); coding-DNA position 3327, C replaced by A.
Protein change: p.Ser1109Arg; replaces serine 1109 with arginine.
Molecular consequence: missense variant.
Genome position (GRCh38, 1-based): chr9:135,786,346, C>A. VCF-style: chr9-135786346-C-A. GRCh37 (hg19) VCF-style: chr9-138678192-C-A.
Other names: c.3192C>A, p.Ser1064Arg (NM_001272003.2); short protein forms S1064R, S1109R.
Identifiers: ClinVar variation 4792419 (VCV004792419.1).

ClinVar aggregate classification (germline): Uncertain significance (1 of 4 stars; one submission).

Conditions:
Autosomal dominant nocturnal frontal lobe epilepsy 5. Also called: CILIARY DYSKINESIA, PRIMARY, 28, WITH SITUS INVERSUS; Epilepsy, nocturnal frontal lobe, 5; CILIARY DYSKINESIA, PRIMARY, 28, WITHOUT SITUS INVERSUS; KCNT1-Related Epilepsy. Identifiers: Orphanet 98784, MedGen C3554306, MONDO:0014002, OMIM 615005.
Developmental and epileptic encephalopathy, 14 (DEE14). Also called: Early infantile epileptic encephalopathy 14. Identifiers: Orphanet 293181, MedGen C3554195, MONDO:0013989, OMIM 614959.

gnomAD v4.1: 1 of 1,589,150 alleles (0.000063%); highest among the groups gnomAD compares: Non-Finnish European, 0.000086%; no homozygotes.

Submission:

Labcorp Genetics (formerly Invitae), Labcorp
Classification: Uncertain significance for Autosomal dominant nocturnal frontal lobe epilepsy 5; Developmental and epileptic encephalopathy, 14. Last evaluated: 2025-04-10. Review status: criteria provided, single submitter. Criteria: Invitae Variant Classification Sherloc (09022015). Collection method: clinical testing. Allele origin: germline.
Comment: This sequence change replaces serine, which is neutral and polar, with arginine, which is basic and polar, at codon 1109 of the KCNT1 protein (p.Ser1109Arg). This variant is not present in population databases (gnomAD no frequency). This variant has not been reported in the literature in individuals affected with KCNT1-related conditions. Invitae Evidence Modeling of protein sequence and biophysical properties (such as structural, functional, and spatial information, amino acid conservation, physicochemical variation, residue mobility, and thermodynamic stability) indicates that this missense variant is not expected to disrupt KCNT1 protein function with a negative predictive value of 80%. In summary, the available evidence is currently insufficient to determine the role of this variant in disease. Therefore, it has been classified as a Variant of Uncertain Significance.